The following is an entry in ClinVar:

ClinVar aggregate classification (germline): Uncertain significance (1 of 4 stars; one submission).

Conditions:
Hereditary spastic paraplegia 49 (HSAN9). Also called: TECPR2-Related Hereditary Sensory and Autonomic Neuropathy with Intellectual Disability; NEUROPATHY, HEREDITARY SENSORY AND AUTONOMIC, TYPE IX, WITH DEVELOPMENTAL DELAY; Spastic paraplegia 49, autosomal recessive. Identifiers: Orphanet 320385, MedGen C5190860, MONDO:0014016, OMIM 615031.

gnomAD v4.1: 1 of 1,609,688 alleles (0.000062%); highest among the groups gnomAD compares: Non-Finnish European, 0.000085%; no homozygotes.

Submission:

Genetic Foundation of Khorasan Razavi (GFKR)
Classification: Uncertain significance for Hereditary spastic paraplegia 49. Review status: criteria provided, single submitter. Criteria: ACMG Guidelines, 2015. Collection method: clinical testing. Allele origin: inherited. Affected: yes. Observed: 1 homozygote.
Comment: The variant is absent from population databases, and segregation analysis supports its association with the disease

NM_014844.5(TECPR2):c.917A>G (p.Glu306Gly)

Gene: TECPR2 (tectonin beta-propeller repeat containing 2; plus strand). Cytogenetic location: 14q32.31.
Variant type: single nucleotide variant.
Coding change: c.917A>G on transcript NM_014844.5 (MANE Select); coding-DNA position 917, A replaced by G.
Protein change: p.Glu306Gly; replaces glutamic acid 306 with glycine.
Molecular consequence: missense variant.
Genome position (GRCh38, 1-based): chr14:102,425,257, A>G. VCF-style: chr14-102425257-A-G. GRCh37 (hg19) VCF-style: chr14-102891594-A-G.
Other names: c.917A>G, p.Glu306Gly (NM_001172631.3); short protein forms E306G.
Identifiers: ClinVar variation 4537479 (VCV004537479.1).